The following is an entry in ClinVar:

ClinVar aggregate classification (germline): Uncertain significance (1 of 4 stars; one submission).

Conditions:
Granulomatous disease, chronic, X-linked. Also called: CYTOCHROME b-NEGATIVE GRANULOMATOUS DISEASE, CHRONIC, X-LINKED; GRANULOMATOUS DISEASE, CHRONIC, X-LINKED, SOMATIC MOSAIC. Identifiers: Orphanet 379, MedGen C1844376, MONDO:0010600, OMIM 306400.

Allele frequency attached by ClinVar (database versions not stated): ExAC 0.00001; gnomAD exomes 0.00001; TOPMed below 0.00001.

Submission:

Labcorp Genetics (formerly Invitae), Labcorp
Classification: Uncertain significance for Granulomatous disease, chronic, X-linked. Last evaluated: 2021-08-28. Review status: criteria provided, single submitter. Criteria: Invitae Variant Classification Sherloc (09022015). Collection method: clinical testing. Allele origin: germline.
Comment: This sequence change replaces asparagine with serine at codon 429 of the CYBB protein (p.Asn429Ser). The asparagine residue is moderately conserved and there is a small physicochemical difference between asparagine and serine. This variant is present in population databases (rs781879934, ExAC 0.002%). This variant has not been reported in the literature in individuals affected with CYBB-related conditions. Algorithms developed to predict the effect of missense changes on protein structure and function output the following: SIFT: "Tolerated"; PolyPhen-2: "Benign"; Align-GVGD: "Class C0". The serine amino acid residue is found in multiple mammalian species, which suggests that this missense change does not adversely affect protein function. Algorithms developed to predict the effect of sequence changes on RNA splicing suggest that this variant may create or strengthen a splice site. In summary, the available evidence is currently insufficient to determine the role of this variant in disease. Therefore, it has been classified as a Variant of Uncertain Significance.

NM_000397.4(CYBB):c.1286A>G (p.Asn429Ser)

Gene: CYBB (cytochrome b-245 beta chain; plus strand). Cytogenetic location: Xp11.4.
Variant type: single nucleotide variant.
Coding change: c.1286A>G on transcript NM_000397.4 (MANE Select); coding-DNA position 1286, A replaced by G.
Protein change: p.Asn429Ser; replaces asparagine 429 with serine.
Molecular consequence: missense variant.
Genome position (GRCh38, 1-based): chrX:37,805,140, A>G. VCF-style: chrX-37805140-A-G. GRCh37 (hg19) VCF-style: chrX-37664393-A-G.
Other names: short protein forms N429S.
Identifiers: ClinVar variation 863855 (VCV000863855.7), dbSNP rs781879934, ClinGen allele CA10383855.